The following is an entry in ClinVar:

NM_000789.4(ACE):c.1444C>T (p.Arg482Cys)

Gene: ACE (angiotensin I converting enzyme; plus strand). Cytogenetic location: 17q23.3.
Variant type: single nucleotide variant.
Coding change: c.1444C>T on transcript NM_000789.4 (MANE Select); coding-DNA position 1444, C replaced by T.
Protein change: p.Arg482Cys; replaces arginine 482 with cysteine.
Molecular consequence: missense variant.
Genome position (GRCh38, 1-based): chr17:63,483,130, C>T. VCF-style: chr17-63483130-C-T. GRCh37 (hg19) VCF-style: chr17-61560491-C-T.
Other names: short protein forms R482C.
Identifiers: ClinVar variation 888832 (VCV000888832.12), dbSNP rs201540553, ClinGen allele CA8699532.

ClinVar aggregate classification (germline): Uncertain significance. Review status: criteria provided, multiple submitters, no conflicts (2 of 4 stars). 5 submissions from 5 submitters: Uncertain significance (5). Last evaluated 2025-10-01.

Conditions:
Microvascular complications of diabetes, susceptibility to, 3. Identifiers: MedGen C2675470, MONDO:0012963, OMIM 612624.
Renal tubular dysgenesis of genetic origin. Also called: PRIMITIVE RENAL TUBULE SYNDROME. Identifiers: Orphanet 97369, MedGen C5681536, MONDO:0009970, OMIM 267430.
Hemorrhage, intracerebral, susceptibility to (ICH). Also called: Stroke, hemorrhagic, susceptibility to. Identifiers: MedGen C3281105, MONDO:0100533, OMIM 614519.
Renal tubular dysgenesis. Also called: Renotubular dysgenesis. Identifiers: Orphanet 3033, MedGen C0266313, MONDO:0017609, HP:0008660.

Allele frequency attached by ClinVar (database versions not stated): ExAC 0.00016; gnomAD exomes 0.00019 and 0.00032; TOPMed 0.00022; ESP Exome Variant Server 0.00023; gnomAD 0.00028 and 0.00029; 1000 Genomes Project 30x 0.00031; 1000 Genomes Project 0.00040.

Submissions (5):

CeGaT Center for Human Genetics Tuebingen
Classification: Uncertain significance. Last evaluated: 2025-10-01. Review status: criteria provided, single submitter. Criteria: CeGaT Center For Human Genetics Tuebingen Variant Classification Criteria Version 2. Collection method: clinical testing. Allele origin: germline. Affected: yes. Observed: 1 variant allele.
Comment: ACE: PM2:Supporting, BP4

Women's Health and Genetics/Laboratory Corporation of America, LabCorp
Classification: Uncertain significance. Last evaluated: 2025-09-10. Review status: criteria provided, single submitter. Criteria: LabCorp Variant Classification Summary - May 2015. Collection method: clinical testing. Allele origin: germline.
Comment: Variant summary: ACE c.1444C>T (p.Arg482Cys) results in a non-conservative amino acid change in the encoded protein sequence. Algorithms developed to predict the effect of missense changes on protein structure and function are either unavailable or do not agree on the potential impact of this missense change. The variant allele was found at a frequency of 0.00019 in 251468 control chromosomes. This frequency is not significantly higher than estimated for disease-causing variants in ACE, allowing no conclusion about variant significance. To our knowledge, no occurrence of c.1444C>T in individuals affected with ACE-related conditions and no experimental evidence demonstrating its impact on protein function have been reported. ClinVar contains an entry for this variant (Variation ID: 888832). Based on the evidence outlined above, the variant was classified as uncertain significance.

Fulgent Genetics
Classification: Uncertain significance for Renal tubular dysgenesis of genetic origin; Microvascular complications of diabetes, susceptibility to, 3; Hemorrhage, intracerebral, susceptibility to. Last evaluated: 2024-03-27. Review status: criteria provided, single submitter. Criteria: ACMG Guidelines, 2015. Collection method: clinical testing. Allele origin: germline.

Department of Pathology and Laboratory Medicine, Sinai Health System
Classification: Uncertain significance for renal tubular dysgenesis of genetic origin. Last evaluated: 2022-07-04. Review status: criteria provided, single submitter. Criteria: ACMG Guidelines, 2015. Collection method: research. Allele origin: germline.

Illumina Laboratory Services, Illumina
Classification: Uncertain significance for Renal tubular dysgenesis of genetic origin. Last evaluated: 2017-04-27. Review status: criteria provided, single submitter. Criteria: ICSL Variant Classification Criteria 13 December 2019. Collection method: clinical testing. Allele origin: germline.